The following is an entry in ClinVar:

NM_001953.5(TYMP):c.228G>A (p.Met76Ile)

Genes: TYMP (thymidine phosphorylase; minus strand), LOC130067864 (ATAC-STARR-seq lymphoblastoid active region 19325; plus strand). Cytogenetic location: 22q13.33.
Variant type: single nucleotide variant.
Coding change: c.228G>A on transcript NM_001953.5 (MANE Select); coding-DNA position 228, G replaced by A.
Protein change: p.Met76Ile; replaces methionine 76 with isoleucine.
Molecular consequence: missense variant.
Genome position (GRCh38, 1-based): chr22:50,529,325, C>T on the plus strand (G>A on the coding strand, the complement: TYMP is on the minus strand). VCF-style: chr22-50529325-C-T. GRCh37 (hg19) VCF-style: chr22-50967754-C-T.
Other names: Met>Ile; c.228G>A, p.Met76Ile (LRG_727t1, LRG_727t2, NM_001113755.3 and 3 more transcripts); short protein forms M76I.
Identifiers: ClinVar variation 223019 (VCV000223019.5), dbSNP rs1064792859, ClinGen allele CA16616772.

ClinVar aggregate classification (germline): Uncertain significance. Review status: criteria provided, multiple submitters, no conflicts (2 of 4 stars). 3 submissions from 3 submitters: Uncertain significance (2). 1 of the submissions does not count toward it. Last evaluated 2023-11-16.

Conditions:
Mitochondrial DNA depletion syndrome 1. Also called: Mitochondrial neurogastrointestinal encephalomyopathy syndrome; Mitochondrial DNA Depletion Syndrome, MNGIE Form; Mitochondrial DNA depletion syndrome 1 (MNGIE type); Mitochondrial Neurogastrointestinal Encephalopathy Disease; MITOCHONDRIAL NEUROGASTROINTESTINAL ENCEPHALOPATHY SYNDROME, TYMP-RELATED; MNGIE, TYMP-RELATED. Identifiers: Orphanet 298, MedGen C4551995, MONDO:0011283, OMIM 603041.

Allele frequency attached by ClinVar (database versions not stated): gnomAD exomes below 0.00001 and 0.00001.
gnomAD v4.1: 7 of 1,613,322 alleles (0.00043%); highest among the groups gnomAD compares: East Asian, 0.0022%; no homozygotes.

Submissions (3):

Women's Health and Genetics/Laboratory Corporation of America, LabCorp
Classification: Uncertain significance. Last evaluated: 2023-11-16. Review status: criteria provided, single submitter. Criteria: LabCorp Variant Classification Summary - May 2015. Collection method: clinical testing. Allele origin: germline.
Comment: Variant summary: TYMP c.228G>A (p.Met76Ile) results in a conservative amino acid change located in the Glycosyl transferase family 3, N-terminal domain (IPR017459) of the encoded protein sequence. Four of five in-silico tools predict a damaging effect of the variant on protein function. The variant allele was found at a frequency of 4e-06 in 249660 control chromosomes. The available data on variant occurrences in the general population are insufficient to allow any conclusion about variant significance. c.228G>A has been reported in the literature in individuals affected with Mitochondrial DNA Depletion Syndrome 1 (MNGIE type) (Martin_2004). These data do not allow any conclusion about variant significance. To our knowledge, no experimental evidence demonstrating an impact on protein function has been reported. The following publication have been ascertained in the context of this evaluation (PMID: 15505189). Two submitters have cited clinical-significance assessments for this variant to ClinVar after 2014. One submitter classified the variant as pathogenic, and one submitter classified the variant as uncertain significance. Based on the evidence outlined above, the variant was classified as uncertain significance.

Revvity Omics, Revvity
Classification: Uncertain significance for Mitochondrial DNA depletion syndrome 1. Last evaluated: 2020-01-29. Review status: criteria provided, single submitter. Criteria: ACMG Guidelines, 2015. Collection method: clinical testing. Allele origin: germline.

GeneReviews
Classification: Pathogenic for Mitochondrial DNA depletion syndrome 1. Last evaluated: 2016-01-14. Review status: no assertion criteria provided. Collection method: literature only. Allele origin: germline. Affected: yes. Not counted in ClinVar's aggregate classification.

Literature cited by the submitters: PubMed 15505189 (cited by Women's Health and Genetics/Laboratory Corporation of America, LabCorp and GeneReviews).